The following is an entry in ClinVar:

ClinVar aggregate classification (germline): Likely benign (0 of 4 stars; one submission).

Conditions:
FHL1-related disorder. Also called: FHL1-related condition; FHL1-related disorders.

Allele frequency attached by ClinVar (database versions not stated): gnomAD 0.00007; ExAC 0.00007; gnomAD exomes 0.00001; TOPMed 0.00008.
gnomAD v4.1: 17 of 1,163,229 alleles (0.0015%); highest among the groups gnomAD compares: African/African-American, 0.018%; no homozygotes.

Submission:

PreventionGenetics, part of Exact Sciences
Classification: Likely benign for FHL1-related condition. Last evaluated: 2022-10-31. Review status: no assertion criteria provided. Collection method: clinical testing. Allele origin: germline.
Comment: This variant is classified as likely benign based on ACMG/AMP sequence variant interpretation guidelines (Richards et al. 2015 PMID: 25741868, with internal and published modifications).

NM_001159702.3(FHL1):c.-26-9544G>T

Gene: FHL1 (four and a half LIM domains 1; plus strand). Cytogenetic location: Xq26.3.
Variant type: single nucleotide variant.
Coding change: c.-26-9544G>T on transcript NM_001159702.3 (MANE Plus Clinical); 9544 bases into the intron before 26 bases upstream of the start codon, G replaced by T.
Molecular consequence: intron variant. On other transcripts: missense variant (1).
Genome position (GRCh38, 1-based): chrX:136,196,863, G>T. VCF-style: chrX-136196863-G-T. GRCh37 (hg19) VCF-style: chrX-135279022-G-T.
Other names: c.-26-9544G>T (NM_001167819.1, NM_001449.5, NM_001159703.2 and 7 more transcripts); c.61G>T, p.Gly21Cys (NM_001159701.2); short protein forms G21C.
Identifiers: ClinVar variation 3036058 (VCV003036058.2), dbSNP rs774418125, ClinGen allele CA10524931.
Genomic context (GRCh38, chrX:136,196,863, plus strand): 5'-ATGACTTTCTATGTGGCCTCTCTGGCTCTGGAGCTAATTTGGATGCTGAGTAGCCCCGCA[G>T]GTATTTATATGTAGCGTTTGGTATTTTTACTGGGTCCTATTCTTCTCCCTTGGATCACCT-3'